The following is an entry in ClinVar:

NM_017777.4(MKS1):c.374T>A (p.Ile125Asn)

Gene: MKS1 (MKS transition zone complex subunit 1; minus strand). Cytogenetic location: 17q22.
Variant type: single nucleotide variant.
Coding change: c.374T>A on transcript NM_017777.4 (MANE Select); coding-DNA position 374, T replaced by A.
Protein change: p.Ile125Asn; replaces isoleucine 125 with asparagine.
Molecular consequence: missense variant. On other transcripts: 5 prime UTR variant (1).
Genome position (GRCh38, 1-based): chr17:58,216,131, A>T on the plus strand (T>A on the coding strand, the complement: MKS1 is on the minus strand). VCF-style: chr17-58216131-A-T. GRCh37 (hg19) VCF-style: chr17-56293492-A-T.
Other names: c.-138T>A (NM_001321268.2); c.374T>A, p.Ile125Asn (NM_001321269.2, NM_001330397.2, NM_001411113.1); short protein forms I125N.
Identifiers: ClinVar variation 4851559 (VCV004851559.1).
Genomic context (GRCh38, chr17:58,216,131, plus strand): 5'-CCTAGAAAGAACAATACCTCCTCCAAATTGGTGTATCTATCAGAGTCAGTGTAGGTAAAG[A>T]TTCGTCGGTTTTTCTTGCCACCCGAATTCTCCAGCTTCAGGATCTCCTGACGGTACTGAT-3'
Protein context (NP_060247.2, residues 115-135): ENSGGKKNRR[Ile125Asn]FTYTDSDRYT

ClinVar aggregate classification (germline): Likely pathogenic (1 of 4 stars; one submission).

Conditions:
Meckel syndrome, type 1 (MKS1). Also called: MECKEL-GRUBER SYNDROME, TYPE 1. Identifiers: Orphanet 564, MedGen C3714506, MONDO:0009571, OMIM 249000.

Submission:

Centre for Medical Genetics,  Mumbai
Classification: Likely pathogenic for Meckel syndrome, type 1. Last evaluated: 2026-04-20. Review status: criteria provided, single submitter. Criteria: ACMG Guidelines, 2015. Collection method: provider interpretation. Allele origin: germline. Inheritance: Autosomal recessive inheritance. Affected: yes. Observed: 1 variant allele, 1 homozygote.
Comment: The variant satisfies PM2 criteria - extremely low frequency in gnomAD population databases. The variant satisfies PP3 criteria - for a missense or a splicing region variant, computational prediction tools unanimously support a deleterious effect on the gene. Hence, the variant should be considered as a likely pathogenic variant.

Literature cited by the submitters: PubMed 17377820.